The following is an entry in ClinVar:

NM_001844.5(COL2A1):c.847C>T (p.Leu283Phe)

Gene: COL2A1 (collagen type II alpha 1 chain; minus strand). Cytogenetic location: 12q13.11.
Variant type: single nucleotide variant.
Coding change: c.847C>T on transcript NM_001844.5 (MANE Select); coding-DNA position 847, C replaced by T.
Protein change: p.Leu283Phe; replaces leucine 283 with phenylalanine.
Molecular consequence: missense variant.
Genome position (GRCh38, 1-based): chr12:47,994,017, G>A on the plus strand (C>T on the coding strand, the complement: COL2A1 is on the minus strand). VCF-style: chr12-47994017-G-A. GRCh37 (hg19) VCF-style: chr12-48387800-G-A.
Other names: c.640C>T, p.Leu214Phe (NM_033150.3); short protein forms L214F, L283F.
Identifiers: ClinVar variation 1718248 (VCV001718248.5), dbSNP rs1255854822, ClinGen allele CA384522321.
Genomic context (GRCh38, chr12:47,994,017, plus strand): 5'-ATCTCTTCCTTCCAACCTTCTCACCCGTGATACTTACTCTGTGACCTTTGACACCAGGAA[G>A]GCCTGGGGTTCCTGGGAAACCACGAGCACCCTGCAATCCAAAGTGGAGGTGTTCAGAGCA-3'
Protein context (NP_001835.3, residues 273-293): GARGFPGTPG[Leu283Phe]PGVKGHRGYP

ClinVar aggregate classification (germline): Uncertain significance (1 of 4 stars; one submission).

Allele frequency attached by ClinVar (database versions not stated): gnomAD exomes below 0.00001.
gnomAD v4.1: 3 of 1,614,130 alleles (0.00019%); highest among the groups gnomAD compares: Non-Finnish European, 0.00017%; no homozygotes.

Submission:

Labcorp Genetics (formerly Invitae), Labcorp
Classification: Uncertain significance. Last evaluated: 2022-08-28. Review status: criteria provided, single submitter. Criteria: Invitae Variant Classification Sherloc (09022015). Collection method: clinical testing. Allele origin: germline.
Comment: In summary, the available evidence is currently insufficient to determine the role of this variant in disease. Therefore, it has been classified as a Variant of Uncertain Significance. Algorithms developed to predict the effect of missense changes on protein structure and function are either unavailable or do not agree on the potential impact of this missense change (SIFT: "Deleterious"; PolyPhen-2: "Not Available"; Align-GVGD: "Class C15"). This variant has not been reported in the literature in individuals affected with COL2A1-related conditions. This variant is not present in population databases (gnomAD no frequency). This sequence change replaces leucine, which is neutral and non-polar, with phenylalanine, which is neutral and non-polar, at codon 283 of the COL2A1 protein (p.Leu283Phe).